The following is an entry in ClinVar:

ClinVar aggregate classification (germline): Uncertain significance (1 of 4 stars; one submission).

Conditions:
Hereditary cancer-predisposing syndrome. Also called: Neoplastic Syndromes, Hereditary; Tumor predisposition; Hereditary Cancer Syndrome; Hereditary neoplastic syndrome. Identifiers: Orphanet 140162, MedGen C0027672, MeSH D009386, MONDO:0015356.

Submission:

Ambry Genetics
Classification: Uncertain significance for Hereditary cancer-predisposing syndrome. Last evaluated: 2025-11-13. Review status: criteria provided, single submitter. Criteria: Ambry Variant Classification Scheme 2023. Collection method: clinical testing. Allele origin: germline.
Comment: The p.S202C variant (also known as c.605C>G), located in coding exon 4 of the BARD1 gene, results from a C to G substitution at nucleotide position 605. The serine at codon 202 is replaced by cysteine, an amino acid with dissimilar properties. This amino acid position is conserved. In addition, this alteration is predicted to be tolerated by in silico analysis. Based on the available evidence, the clinical significance of this variant remains unclear.

NM_000465.4(BARD1):c.605C>G (p.Ser202Cys)

Gene: BARD1 (BRCA1 associated RING domain 1; minus strand). Cytogenetic location: 2q35.
Variant type: single nucleotide variant.
Coding change: c.605C>G on transcript NM_000465.4 (MANE Select); coding-DNA position 605, C replaced by G.
Protein change: p.Ser202Cys; replaces serine 202 with cysteine.
Molecular consequence: missense variant. On other transcripts: non-coding transcript variant (2), intron variant (3).
Genome position (GRCh38, 1-based): chr2:214,781,269, G>C on the plus strand (C>G on the coding strand, the complement: BARD1 is on the minus strand). VCF-style: chr2-214781269-G-C. GRCh37 (hg19) VCF-style: chr2-215645993-G-C.
Other names: c.548C>G, p.Ser183Cys (NM_001282543.2); c.158+28143C>G (NM_001282548.2); c.215+15792C>G (NM_001282545.2); c.364+11028C>G (NM_001282549.2); short protein forms S202C, S183C.
Identifiers: ClinVar variation 4621803 (VCV004621803.1).